The following is an entry in ClinVar:

ClinVar aggregate classification (germline): Uncertain significance (1 of 4 stars; one submission).

gnomAD v4.1: 1 of 1,609,138 alleles (0.000062%); no homozygotes.

Submission:

Ambry Genetics
Classification: Uncertain significance. Last evaluated: 2025-09-12. Review status: criteria provided, single submitter. Criteria: Ambry Variant Classification Scheme 2023. Collection method: clinical testing. Allele origin: germline.
Comment: The p.Q28* variant (also known as c.82C>T), located in coding exon 1 of the RAD51B gene, results from a C to T substitution at nucleotide position 82. This changes the amino acid from a glutamine to a stop codon within coding exon 1. The evidence for this gene-disease relationship is limited; therefore, the clinical significance of this alteration is unclear.

NM_133510.4(RAD51B):c.82C>T (p.Gln28Ter)

Gene: RAD51B (RAD51 paralog B; plus strand). Cytogenetic location: 14q24.1.
Variant type: single nucleotide variant.
Coding change: c.82C>T on transcript NM_133510.4 (MANE Select); coding-DNA position 82, C replaced by T.
Protein change: p.Gln28Ter; replaces glutamine 28 with a stop codon.
Molecular consequence: nonsense. On other transcripts: 5 prime UTR variant (2).
Genome position (GRCh38, 1-based): chr14:67,823,625, C>T. VCF-style: chr14-67823625-C-T. GRCh37 (hg19) VCF-style: chr14-68290342-C-T.
Other names: c.82C>T, p.Gln28Ter (NM_001321809.2, NM_001321810.2, NM_001321812.1 and 6 more transcripts); c.-33C>T (NM_001321815.1); c.-374C>T (NM_001321817.2); short protein forms Q28*.
Identifiers: ClinVar variation 4149860 (VCV004149860.1).
Genomic context (GRCh38, chr14:67,823,625, plus strand): 5'-CGAGTGGGTTTATCACAAGAGCTGTGTGACCGTCTGAGTAGACATCAGATCCTTACCTGT[C>T]AGGTAAATTTTATTTAACATTTTTATTGATAAGTTTTATGCACAAGTTAACTTTATACCT-3'